The following is an entry in ClinVar:

ClinVar aggregate classification (germline): Uncertain significance (1 of 4 stars; one submission).

Submissions (4):

Labcorp Genetics (formerly Invitae), Labcorp
Classification: Uncertain significance. Last evaluated: 2025-12-12. Review status: criteria provided, single submitter. Criteria: Invitae Variant Classification Sherloc (09022015). Collection method: clinical testing. Allele origin: germline.
Comment: This sequence change replaces alanine, which is neutral and non-polar, with serine, which is neutral and polar, at codon 537 of the COL4A5 protein (p.Ala537Ser). The frequency data for this variant in the population databases is considered unreliable, as metrics indicate poor data quality at this position in the gnomAD database. This variant has not been reported in the literature in individuals affected with COL4A5-related conditions. Invitae Evidence Modeling of protein sequence and biophysical properties (such as structural, functional, and spatial information, amino acid conservation, physicochemical variation, residue mobility, and thermodynamic stability) indicates that this missense variant is not expected to disrupt COL4A5 protein function with a negative predictive value of 95%. In summary, the available evidence is currently insufficient to determine the role of this variant in disease. Therefore, it has been classified as a Variant of Uncertain Significance.

Dr. Peter K. Rogan Lab, Western University
No classification provided (evidence only). Condition: Thyroid cancer, nonmedullary, 1. Review status: no classification provided. Collection method: in vitro. Allele origin: not applicable. Functional consequence: retained intron. Not counted in ClinVar's aggregate classification.

Dr. Peter K. Rogan Lab, Western University
No classification provided (evidence only). Condition: Thyroid cancer, nonmedullary, 1. Review status: no classification provided. Collection method: in vitro. Allele origin: not applicable. Functional consequence: retained intron. Not counted in ClinVar's aggregate classification.

Dr. Peter K. Rogan Lab, Western University
No classification provided (evidence only). Condition: Thyroid cancer, nonmedullary, 1. Review status: no classification provided. Collection method: in vitro. Allele origin: not applicable. Functional consequence: retained intron. Not counted in ClinVar's aggregate classification.

NM_033380.3(COL4A5):c.1609G>T (p.Ala537Ser)

Gene: COL4A5 (collagen type IV alpha 5 chain; plus strand). Cytogenetic location: Xq22.3.
Variant type: single nucleotide variant.
Coding change: c.1609G>T on transcript NM_033380.3 (MANE Select); coding-DNA position 1609, G replaced by T.
Protein change: p.Ala537Ser; replaces alanine 537 with serine.
Molecular consequence: missense variant.
Genome position (GRCh38, 1-based): chrX:108,597,398, G>T. VCF-style: chrX-108597398-G-T. GRCh37 (hg19) VCF-style: chrX-107840628-G-T.
Other names: NC_000023.10:g.107840628G>T; c.1609G>T, p.Ala537Ser (NM_000495.5); short protein forms A537S.
Identifiers: ClinVar variation 4463845 (VCV004463845.2).